The following is an entry in ClinVar:

ClinVar aggregate classification (germline): Conflicting classifications of pathogenicity. Review status: criteria provided, conflicting classifications (1 of 4 stars). 3 submissions from 3 submitters: Uncertain significance (2); Likely benign (1). Last evaluated 2026-05-13.

Conditions:
SNRNP200-related disorder. Also called: SNRNP200-related condition.

Allele frequency attached by ClinVar (database versions not stated): gnomAD 0.00001; gnomAD exomes 0.00002 and 0.00004; TOPMed 0.00002; ExAC 0.00003.
gnomAD v4.1: 65 of 1,613,388 alleles (0.004%); highest among the groups gnomAD compares: Non-Finnish European, 0.0049%; no homozygotes.

Submissions (3):

PreventionGenetics, part of Exact Sciences
Classification: Uncertain significance for SNRNP200-related condition. Last evaluated: 2026-05-13. Review status: criteria provided, single submitter. Criteria: ACMG Guidelines, 2015. Collection method: clinical testing. Allele origin: germline.
Comment: The SNRNP200 c.3821G>A variant is predicted to result in the amino acid substitution p.Arg1274His. To our knowledge, this variant has not been reported in the literature. This variant is reported in 0.0065% of alleles in individuals of South Asian descent in gnomAD. At this time, the clinical significance of this variant is uncertain due to the absence of conclusive functional and genetic evidence.

Labcorp Genetics (formerly Invitae), Labcorp
Classification: Likely benign. Last evaluated: 2025-03-31. Review status: criteria provided, single submitter. Criteria: Invitae Variant Classification Sherloc (09022015). Collection method: clinical testing. Allele origin: germline.

Blueprint Genetics
Classification: Uncertain significance. Last evaluated: 2024-07-19. Review status: criteria provided, single submitter. Criteria: ACMG Guidelines, 2015. Collection method: clinical testing. Allele origin: germline.

NM_014014.5(SNRNP200):c.3821G>A (p.Arg1274His)

Gene: SNRNP200 (small nuclear ribonucleoprotein U5 subunit 200; minus strand). Cytogenetic location: 2q11.2.
Variant type: single nucleotide variant.
Coding change: c.3821G>A on transcript NM_014014.5 (MANE Select); coding-DNA position 3821, G replaced by A.
Protein change: p.Arg1274His; replaces arginine 1274 with histidine.
Molecular consequence: missense variant.
Genome position (GRCh38, 1-based): chr2:96,286,696, C>T on the plus strand (G>A on the coding strand, the complement: SNRNP200 is on the minus strand). VCF-style: chr2-96286696-C-T. GRCh37 (hg19) VCF-style: chr2-96952434-C-T.
Other names: c.3821G>A (NM_014014.4); short protein forms R1274H.
Identifiers: ClinVar variation 1442080 (VCV001442080.10), dbSNP rs779046530, ClinGen allele CA1778377.